The following is an entry in ClinVar:

ClinVar aggregate classification (germline): Pathogenic (1 of 4 stars; one submission).

Conditions:
Familial cancer of breast. Also called: Hereditary breast cancer; hereditary breast carcinoma; BREAST CANCER, FAMILIAL. Identifiers: Orphanet 227535, MedGen C0346153, MONDO:0016419, OMIM 114480. Disease mechanism: loss of function.

Submission:

Labcorp Genetics (formerly Invitae), Labcorp
Classification: Pathogenic for Familial cancer of breast. Last evaluated: 2024-06-17. Review status: criteria provided, single submitter. Criteria: Invitae Variant Classification Sherloc (09022015). Collection method: clinical testing. Allele origin: germline.
Comment: This sequence change inserts a large fragment of DNA, likely a transposable element, in exon 2 of the PALB2 gene (c.56_57insAlu), causing a frameshift at codon 19 (p.Glu19fs). The exact size and sequence of the insertion cannot be determined by the current assay. However, the insertion is expected to result in an absent or disrupted protein product. This variant is not present in population databases (gnomAD no frequency). This variant has not been reported in the literature in individuals affected with PALB2-related conditions. ClinVar contains an entry for this variant (Variation ID: 1073551). Retrotransposon insertions including LINE1 (L1), Alu, and SVA (SINE-VNTR-Alu) have been reported to be disease-causing through disruption of either a coding region or splice site (PMID: 19763152, 20307669, 22406018) and loss-of-function variants in PALB2 are known to be pathogenic (PMID: 17200668, 17200671, 17200672, 24136930, 25099575). For these reasons, this variant has been classified as Pathogenic.

Literature cited by the submitters: PubMed 19763152; PubMed 20307669; PubMed 22406018; PubMed 17200668; PubMed 17200671; PubMed 17200672; PubMed 24136930; PubMed 25099575.

NM_024675.4(PALB2):c.56_57insTTTTTTTTTTTTTTTTTTTTNNNNNNNNNNTAGAGATGGGGTTTCACCGTGTTAGCCAGGATGGTCTCGATCTCCTGACCTCGTGATCCACCCGCCTCGGCCTCCCAAAGTGCTGGGATTACAGGCGTGAGCCACCACGCCCGGCCGAAATTAGCATTCTT (p.Glu19delinsAspPhePhePhePhePhePheXaaXaaXaaXaaArgAspGlyValSerProCysTer)

Gene: PALB2 (partner and localizer of BRCA2; minus strand). Cytogenetic location: 16p12.2.
Variant type: Insertion.
Coding change: c.56_57insTTTTTTTTTTTTTTTTTTTTNNNNNNNNNNTAGAGATGGGGTTTCACCGTGTTAGCCAGGATGGTCTCGATCTCCTGACCTCGTGATCCACCCGCCTCGGCCTCCCAAAGTGCTGGGATTACAGGCGTGAGCCACCACGCCCGGCCGAAATTAGCATTCTT on transcript NM_024675.4 (MANE Select); coding-DNA positions 56 to 57, TTTTTTTTTTTTTTTTTTTTNNNNNNNNNNTAGAGATGGGGTTTCACCGTGTTAGCCAGGATGGTCTCGATCTCCTGACCTCGTGATCCACCCGCCTCGGCCTCCCAAAGTGCTGGGATTACAGGCGTGAGCCACCACGCCCGGCCGAAATTAGCATTCTT inserted.
Protein change: p.Glu19delinsAspPhePhePhePhePhePheXaaXaaXaaXaaArgAspGlyValSerProCysTer.
Molecular consequence: nonsense.
Genome position: GRCh38: chr16:23,638,121-23,638,122. GRCh37 (hg19): chr16:23,649,442-23,649,443.
Identifiers: ClinVar variation 1073551 (VCV001073551.8), dbSNP rs2142461122.